The following is an entry in ClinVar:

ClinVar aggregate classification (germline): Uncertain significance (1 of 4 stars; one submission).

Conditions:
T-B+ severe combined immunodeficiency due to JAK3 deficiency. Also called: SCID, autosomal recessive, T-negative/B-positive type; SCID, T CELL-NEGATIVE, B CELL-POSITIVE, NK CELL-NEGATIVE. Identifiers: Orphanet 35078, MedGen C1833275, MONDO:0010938, OMIM 600802.

Allele frequency attached by ClinVar (database versions not stated): gnomAD 0.00001; TOPMed 0.00002; ESP Exome Variant Server 0.00008.
gnomAD v4.1: 12 of 1,613,040 alleles (0.00074%); highest among the groups gnomAD compares: Admixed American, 0.0067%; no homozygotes.

Submission:

Labcorp Genetics (formerly Invitae), Labcorp
Classification: Uncertain significance for T-B+ severe combined immunodeficiency due to JAK3 deficiency. Last evaluated: 2022-07-19. Review status: criteria provided, single submitter. Criteria: Invitae Variant Classification Sherloc (09022015). Collection method: clinical testing. Allele origin: germline.
Comment: This sequence change replaces serine, which is neutral and polar, with arginine, which is basic and polar, at codon 1029 of the JAK3 protein (p.Ser1029Arg). This variant is present in population databases (rs202044618, gnomAD 0.009%). This variant has not been reported in the literature in individuals affected with JAK3-related conditions. ClinVar contains an entry for this variant (Variation ID: 1439984). Algorithms developed to predict the effect of missense changes on protein structure and function are either unavailable or do not agree on the potential impact of this missense change (SIFT: "Tolerated"; PolyPhen-2: "Probably Damaging"; Align-GVGD: "Class C0"). In summary, the available evidence is currently insufficient to determine the role of this variant in disease. Therefore, it has been classified as a Variant of Uncertain Significance.

NM_000215.4(JAK3):c.3087C>G (p.Ser1029Arg)

Gene: JAK3 (Janus kinase 3; minus strand). Cytogenetic location: 19p13.11.
Variant type: single nucleotide variant.
Coding change: c.3087C>G on transcript NM_000215.4 (MANE Select); coding-DNA position 3087, C replaced by G.
Protein change: p.Ser1029Arg; replaces serine 1029 with arginine.
Molecular consequence: missense variant.
Genome position (GRCh38, 1-based): chr19:17,830,512, G>C on the plus strand (C>G on the coding strand, the complement: JAK3 is on the minus strand). VCF-style: chr19-17830512-G-C. GRCh37 (hg19) VCF-style: chr19-17941321-G-C.
Other names: short protein forms S1029R.
Identifiers: ClinVar variation 1439984 (VCV001439984.4), dbSNP rs202044618, ClinGen allele CA9301440.